The following is an entry in ClinVar:

ClinVar aggregate classification (germline): Pathogenic. Review status: criteria provided, multiple submitters, no conflicts (2 of 4 stars). 3 submissions from 3 submitters: Pathogenic (3). Last evaluated 2025-05-19.

Conditions:
AR-related disorder. Also called: AR-related condition.
Androgen resistance syndrome (AIS). Also called: DHTR DEFICIENCY; DIHYDROTESTOSTERONE RECEPTOR DEFICIENCY; TESTICULAR FEMINIZATION SYNDROME; Androgen insensitivity syndrome; Androgen insensitivity, complete; Androgen insensitivity syndrome due to coactivator deficiency. Identifiers: Orphanet 754, Orphanet 99429, MedGen C0039585, MONDO:0019154, OMIM 300068. Disease mechanism: loss of function.
Kennedy disease (SMAX1). Also called: SPINAL AND BULBAR MUSCULAR ATROPHY, X-LINKED 1; KENNEDY SPINAL AND BULBAR MUSCULAR ATROPHY; Spinal and Bulbar Muscular Atrophy. Identifiers: Orphanet 481, MedGen C1839259, MONDO:0010735, OMIM 313200.

Submissions (3):

PreventionGenetics, part of Exact Sciences
Classification: Pathogenic for AR-related condition. Last evaluated: 2025-05-19. Review status: criteria provided, single submitter. Criteria: ACMG Guidelines, 2015. Collection method: clinical testing. Allele origin: germline.
Comment: The AR c.2407dupC variant is predicted to result in a frameshift and premature protein termination (p.Gln803Profs*27). This variant has not been reported in a large population database (gnomAD), indicating this variant is rare. Frameshift variants in AR are expected to be pathogenic. This variant is interpreted as pathogenic.

Labcorp Genetics (formerly Invitae), Labcorp
Classification: Pathogenic for Kennedy disease; Androgen resistance syndrome. Last evaluated: 2024-12-08. Review status: criteria provided, single submitter. Criteria: Invitae Variant Classification Sherloc (09022015). Collection method: clinical testing. Allele origin: germline.
Comment: This sequence change creates a premature translational stop signal (p.Gln803Profs*27) in the AR gene. It is expected to result in an absent or disrupted protein product. Loss-of-function variants in AR are known to be pathogenic (PMID: 19463997). This variant is not present in population databases (gnomAD no frequency). This premature translational stop signal has been observed in individual(s) with androgen insensitivity syndrom (PMID: 30668521). ClinVar contains an entry for this variant (Variation ID: 1344505). For these reasons, this variant has been classified as Pathogenic.

Seattle Children's Hospital Molecular Genetics Laboratory, Seattle Children's Hospital
Classification: Pathogenic for Androgen resistance syndrome. Review status: criteria provided, single submitter. Criteria: ACMG Guidelines, 2015. Collection method: clinical testing. Allele origin: unknown. Inheritance: Autosomal dominant inheritance. Affected: yes.
Comment: The p.Gln803Profs*27 variant causes a translational frameshift and is expected to cause a loss of protein function. The first amino altered is at position 803 of the protein, in which glutamine is replaced by proline, and there is a premature termination codon 27 amino acids downstream of this altered amino acid. This variant has not been observed in the Genome Aggregation Database (0 of approx. 183,000 alleles; v2.1).

Literature cited by the submitters: PubMed 19463997 (cited by Labcorp Genetics (formerly Invitae), Labcorp); PubMed 30668521 (cited by Labcorp Genetics (formerly Invitae), Labcorp and Seattle Children's Hospital Molecular Genetics Laboratory, Seattle Children's Hospital).

NM_000044.6(AR):c.2407dup (p.Gln803fs)

Gene: AR (androgen receptor; plus strand). Cytogenetic location: Xq12.
Variant type: Duplication.
Coding change: c.2407dup on transcript NM_000044.6 (MANE Select); coding-DNA position 2407, one base duplicated (C; older notation c.2407dupC).
Protein change: p.Gln803fs; shifts the reading frame from glutamine 803.
Molecular consequence: frameshift variant.
Genome position (GRCh38, 1-based): chrX:67,721,921, C duplicated; the last of 6 consecutive C bases (chrX:67,721,916-67,721,921); duplicating any one gives the same sequence. VCF-style (leftmost placement, unchanged base first): chrX-67721915-A-AC. GRCh37 (hg19) VCF-style: chrX-66941757-A-AC.
Other names: c.811dup, p.Gln271fs (NM_001011645.3); short protein forms Q271fs, Q803fs.
Identifiers: ClinVar variation 1344505 (VCV001344505.4), dbSNP rs2147535891, ClinGen allele CA645603436.